The following is an entry in ClinVar:

NM_177438.3(DICER1):c.4206+9_4206+29del

Gene: DICER1 (dicer 1, ribonuclease III; minus strand). Cytogenetic location: 14q32.13.
Variant type: Deletion.
Coding change: c.4206+9_4206+29del on transcript NM_177438.3 (MANE Select); bases 9 to 29 of the intron after coding-DNA position 4206, 21 bases deleted (GTGTGTGTGTGTGTGTGTGTG).
Molecular consequence: intron variant.
Genome position (GRCh38, 1-based): chr14:95,099,751-95,099,771, CACACACACACACACACACAC deleted on the plus strand (GTGTGTGTGTGTGTGTGTGTG on the coding strand, the reverse complement: DICER1 is on the minus strand). VCF-style (leftmost placement, unchanged base first): chr14-95099750-ACACACACACACACACACACAC-A. GRCh37 (hg19) VCF-style: chr14-95566087-ACACACACACACACACACACAC-A.
Other names: c.4206+9_4206+29del (NM_001291628.2, NM_030621.4, NM_001395677.1 and 12 more transcripts); c.3801+9_3801+29del (NM_001395690.1, NM_001395687.1, NM_001395689.1 and 2 more transcripts); c.3924+9_3924+29del (NM_001395686.1); c.3639+9_3639+29del (NM_001395691.1); c.2523+9_2523+29del (NM_001395697.1); c.4206+9_4206+29del21 (NM_030621.4).
Identifiers: ClinVar variation 3036165 (VCV003036165.2), dbSNP rs772404151, ClinGen allele CA7330894.

ClinVar aggregate classification (germline): Likely benign (0 of 4 stars; one submission).

Conditions:
DICER1-related disorder. Also called: DICER1-related condition.

Allele frequency attached by ClinVar (database versions not stated): gnomAD 0.00001; gnomAD exomes 0.00002; ExAC 0.00004.

Submission:

PreventionGenetics, part of Exact Sciences
Classification: Likely benign for DICER1-related condition. Last evaluated: 2020-11-27. Review status: no assertion criteria provided. Collection method: clinical testing. Allele origin: germline.
Comment: This variant is classified as likely benign based on ACMG/AMP sequence variant interpretation guidelines (Richards et al. 2015 PMID: 25741868, with internal and published modifications).